The following is an entry in ClinVar:

ClinVar aggregate classification (germline): Uncertain significance (1 of 4 stars; one submission).

Conditions:
Fanconi anemia (FA). Also called: Fanconi's anemia. Identifiers: Orphanet 84, MedGen C0015625, MeSH D005199, MONDO:0019391.

Allele frequency attached by ClinVar (database versions not stated): gnomAD exomes below 0.00001.
gnomAD v4.1: 1 of 1,613,242 alleles (0.000062%); highest among the groups gnomAD compares: Non-Finnish European, 0.000085%; no homozygotes.

Submission:

Labcorp Genetics (formerly Invitae), Labcorp
Classification: Uncertain significance for Fanconi anemia. Last evaluated: 2022-01-06. Review status: criteria provided, single submitter. Criteria: Invitae Variant Classification Sherloc (09022015). Collection method: clinical testing. Allele origin: germline.
Comment: In summary, the available evidence is currently insufficient to determine the role of this variant in disease. Therefore, it has been classified as a Variant of Uncertain Significance. Algorithms developed to predict the effect of missense changes on protein structure and function are either unavailable or do not agree on the potential impact of this missense change (SIFT: "Deleterious"; PolyPhen-2: "Probably Damaging"; Align-GVGD: "Class C0"). This missense change has been observed in individual(s) with bone marrow failure (PMID: 30995915). This variant is not present in population databases (gnomAD no frequency). This sequence change replaces serine, which is neutral and polar, with arginine, which is basic and polar, at codon 82 of the FANCL protein (p.Ser82Arg).

Literature cited by the submitters: PubMed 30995915.

NM_018062.4(FANCL):c.244A>C (p.Ser82Arg)

Gene: FANCL (FA complementation group L; minus strand). Cytogenetic location: 2p16.1.
Variant type: single nucleotide variant.
Coding change: c.244A>C on transcript NM_018062.4 (MANE Select); coding-DNA position 244, A replaced by C.
Protein change: p.Ser82Arg; replaces serine 82 with arginine.
Molecular consequence: missense variant.
Genome position (GRCh38, 1-based): chr2:58,226,757, T>G on the plus strand (A>C on the coding strand, the complement: FANCL is on the minus strand). VCF-style: chr2-58226757-T-G. GRCh37 (hg19) VCF-style: chr2-58453892-T-G.
Other names: c.244A>C, p.Ser82Arg (NM_001114636.2, NM_001374615.1, NM_001410792.1); short protein forms S82R.
Identifiers: ClinVar variation 2201642 (VCV002201642.4), dbSNP rs2467484202, ClinGen allele CA347034670.